The following is an entry in ClinVar:

NM_001164508.2(NEB):c.4094A>T (p.Gln1365Leu)

Gene: NEB (nebulin; minus strand). Cytogenetic location: 2q23.3.
Variant type: single nucleotide variant.
Coding change: c.4094A>T on transcript NM_001164508.2 (MANE Select); coding-DNA position 4094, A replaced by T.
Protein change: p.Gln1365Leu; replaces glutamine 1365 with leucine.
Molecular consequence: missense variant.
Genome position (GRCh38, 1-based): chr2:151,672,574, T>A on the plus strand (A>T on the coding strand, the complement: NEB is on the minus strand). VCF-style: chr2-151672574-T-A. GRCh37 (hg19) VCF-style: chr2-152529088-T-A.
Other names: c.4094A>T, p.Gln1365Leu (NM_001164507.2, NM_001271208.2, NM_004543.5); c.4094A>T (NM_001271208.1, NM_004543.4); short protein forms Q1365L.
Identifiers: ClinVar variation 1349481 (VCV001349481.8), dbSNP rs375155384, ClinGen allele CA1910725.

ClinVar aggregate classification (germline): Uncertain significance. Review status: criteria provided, multiple submitters, no conflicts (2 of 4 stars). 3 submissions from 3 submitters: Uncertain significance (3). Last evaluated 2025-06-03.

Conditions:
Inborn genetic diseases. Identifiers: MedGen C0950123, MeSH D030342.
Nemaline myopathy 2 (NEM2). Also called: Nemaline myopathy 2, autosomal recessive. Identifiers: MedGen C1850569, MONDO:0009725, OMIM 256030.

Allele frequency attached by ClinVar (database versions not stated): ESP Exome Variant Server 0.00008; TOPMed below 0.00001; gnomAD 0.00001; gnomAD exomes 0.00001; ExAC 0.00002.
gnomAD v4.1: 5 of 1,613,920 alleles (0.00031%); highest among the groups gnomAD compares: Non-Finnish European, 0.00042%; no homozygotes.

Submissions (3):

Athena Diagnostics
Classification: Uncertain significance. Last evaluated: 2025-06-03. Review status: criteria provided, single submitter. Criteria: Athena Diagnostics Criteria. Collection method: clinical testing. Allele origin: unknown.
Comment: Available data are insufficient to determine the clinical significance of the variant at this time. The frequency of this variant in the general population is uninformative in assessment of its pathogenicity. Polyphen and MutationTaster predict this amino acid change may be damaging to the protein.

Ambry Genetics
Classification: Uncertain significance for Inborn genetic diseases. Last evaluated: 2022-12-06. Review status: criteria provided, single submitter. Criteria: Ambry Variant Classification Scheme 2023. Collection method: clinical testing. Allele origin: germline.

Labcorp Genetics (formerly Invitae), Labcorp
Classification: Uncertain significance for Nemaline myopathy 2. Last evaluated: 2022-06-27. Review status: criteria provided, single submitter. Criteria: Invitae Variant Classification Sherloc (09022015). Collection method: clinical testing. Allele origin: germline.
Comment: In summary, the available evidence is currently insufficient to determine the role of this variant in disease. Therefore, it has been classified as a Variant of Uncertain Significance. Algorithms developed to predict the effect of missense changes on protein structure and function are either unavailable or do not agree on the potential impact of this missense change (SIFT: "Deleterious"; PolyPhen-2: "Not Available"; Align-GVGD: "Class C0"). This variant has not been reported in the literature in individuals affected with NEB-related conditions. This variant is present in population databases (rs375155384, gnomAD 0.002%). This sequence change replaces glutamine, which is neutral and polar, with leucine, which is neutral and non-polar, at codon 1365 of the NEB protein (p.Gln1365Leu).